The following is an entry in ClinVar:

ClinVar aggregate classification (germline): Likely benign (1 of 4 stars; one submission).

Conditions:
VPS13B-related disorder. Also called: VPS13B-related condition.

Submission:

PreventionGenetics, part of Exact Sciences
Classification: Likely benign for VPS13B-related condition. Last evaluated: 2025-11-07. Review status: criteria provided, single submitter. Criteria: ACMG Guidelines, 2015. Collection method: clinical testing. Allele origin: germline.
Comment: This variant is classified as likely benign based on ACMG/AMP sequence variant interpretation guidelines (Richards et al. 2015 PMID: 25741868, with internal and published modifications).

NM_152564.5(VPS13B):c.7780-14C>T

Gene: VPS13B (vacuolar protein sorting 13 homolog B; plus strand). Cytogenetic location: 8q22.2.
Variant type: single nucleotide variant.
Coding change: c.7780-14C>T on transcript NM_152564.5 (MANE Select); 14 bases into the intron before coding-DNA position 7780, C replaced by T.
Molecular consequence: intron variant.
Genome position (GRCh38, 1-based): chr8:99,784,301, C>T. VCF-style: chr8-99784301-C-T. GRCh37 (hg19) VCF-style: chr8-100796529-C-T.
Other names: c.7855-14C>T (NM_017890.5).
Identifiers: ClinVar variation 4981357 (VCV004981357.1).